The following is an entry in ClinVar:

ClinVar aggregate classification (germline): Uncertain significance (1 of 4 stars; one submission).

Conditions:
STING-associated vasculopathy with onset in infancy. Also called: Sting-associated vasculopathy, infantile-onset. Identifiers: Orphanet 425120, MedGen C4014722, MONDO:0014405, OMIM 615934.

Allele frequency attached by ClinVar (database versions not stated): TOPMed below 0.00001; gnomAD 0.00001.

Submission:

Labcorp Genetics (formerly Invitae), Labcorp
Classification: Uncertain significance for STING-associated vasculopathy with onset in infancy. Last evaluated: 2024-12-16. Review status: criteria provided, single submitter. Criteria: Invitae Variant Classification Sherloc (09022015). Collection method: clinical testing. Allele origin: germline.
Comment: This sequence change creates a premature translational stop signal (p.Gly166*) in the TMEM173 gene. It is expected to result in an absent or disrupted protein product. However, the current clinical and genetic evidence is not sufficient to establish whether loss-of-function variants in TMEM173 cause disease. This variant is not present in population databases (gnomAD no frequency). This variant has not been reported in the literature in individuals affected with TMEM173-related conditions. ClinVar contains an entry for this variant (Variation ID: 2010368). Algorithms developed to predict the effect of sequence changes on RNA splicing suggest that this variant may disrupt the consensus splice site. In summary, the available evidence is currently insufficient to determine the role of this variant in disease. Therefore, it has been classified as a Variant of Uncertain Significance.

NM_198282.4(STING1):c.496G>T (p.Gly166Ter)

Gene: STING1 (stimulator of interferon response cGAMP interactor 1; minus strand). Cytogenetic location: 5q31.2.
Variant type: single nucleotide variant.
Coding change: c.496G>T on transcript NM_198282.4 (MANE Select); coding-DNA position 496, G replaced by T.
Protein change: p.Gly166Ter; replaces glycine 166 with a stop codon.
Molecular consequence: nonsense.
Genome position (GRCh38, 1-based): chr5:139,480,814, C>A on the plus strand (G>T on the coding strand, the complement: STING1 is on the minus strand). VCF-style: chr5-139480814-C-A. GRCh37 (hg19) VCF-style: chr5-138860399-C-A.
Other names: c.496G>T, p.Gly166Ter (NM_001301738.2); c.139G>T, p.Gly47Ter (NM_001367258.1); short protein forms G166*, G47*.
Identifiers: ClinVar variation 2010368 (VCV002010368.4), dbSNP rs1302149326, ClinGen allele CA361480963.